The following is an entry in ClinVar:

NM_005732.4(RAD50):c.685A>G (p.Ser229Gly)

Gene: RAD50 (RAD50 double strand break repair protein; plus strand). Cytogenetic location: 5q31.1.
Variant type: single nucleotide variant.
Coding change: c.685A>G on transcript NM_005732.4 (MANE Select); coding-DNA position 685, A replaced by G.
Protein change: p.Ser229Gly; replaces serine 229 with glycine.
Molecular consequence: missense variant.
Genome position (GRCh38, 1-based): chr5:132,579,995, A>G. VCF-style: chr5-132579995-A-G. GRCh37 (hg19) VCF-style: chr5-131915687-A-G.
Other names: short protein forms S229G.
Identifiers: ClinVar variation 1755823 (VCV001755823.2), dbSNP rs1406271072, ClinGen allele CA360936512.
Genomic context (GRCh38, chr5:132,579,995, plus strand): 5'-GAACTAAAATATCTGAAGCAATATAAGGAAAAAGCTTGTGAGATTCGTGATCAGATTACA[A>G]GTAAGGAAGCCCAGTTAACATCTTCAAAGGAAATTGTCAAATCCTATGAGAATGAACTTG-3'
Protein context (NP_005723.2, residues 219-239): KACEIRDQIT[Ser229Gly]KEAQLTSSKE

ClinVar aggregate classification (germline): Uncertain significance (1 of 4 stars; one submission).

Conditions:
Hereditary cancer-predisposing syndrome. Also called: Neoplastic Syndromes, Hereditary; Tumor predisposition; Hereditary Cancer Syndrome; Hereditary neoplastic syndrome. Identifiers: Orphanet 140162, MedGen C0027672, MeSH D009386, MONDO:0015356.

Submission:

Ambry Genetics
Classification: Uncertain significance for Hereditary cancer-predisposing syndrome. Last evaluated: 2019-11-01. Review status: criteria provided, single submitter. Criteria: Ambry Variant Classification Scheme 2023. Collection method: clinical testing. Allele origin: germline.
Comment: The p.S229G variant (also known as c.685A>G), located in coding exon 5 of the RAD50 gene, results from an A to G substitution at nucleotide position 685. The serine at codon 229 is replaced by glycine, an amino acid with similar properties. This amino acid position is not well conserved in available vertebrate species. In addition, this alteration is predicted to be tolerated by in silico analysis. Since supporting evidence is limited at this time, the clinical significance of this alteration remains unclear.